The following is an entry in ClinVar:

NM_001163435.3(TBCK):c.2177G>A (p.Gly726Asp)

Gene: TBCK (TBC1 domain containing kinase; minus strand). Cytogenetic location: 4q24.
Variant type: single nucleotide variant.
Coding change: c.2177G>A on transcript NM_001163435.3 (MANE Select); coding-DNA position 2177, G replaced by A.
Protein change: p.Gly726Asp; replaces glycine 726 with aspartic acid.
Molecular consequence: missense variant.
Genome position (GRCh38, 1-based): chr4:106,171,153, C>T on the plus strand (G>A on the coding strand, the complement: TBCK is on the minus strand). VCF-style: chr4-106171153-C-T. GRCh37 (hg19) VCF-style: chr4-107092310-C-T.
Other names: c.2177G>A, p.Gly726Asp (NM_001163436.4); c.2060G>A, p.Gly687Asp (NM_001163437.3); c.1661G>A, p.Gly554Asp (NM_001290768.2); c.1988G>A, p.Gly663Asp (NM_033115.5); short protein forms G554D, G663D, G687D, G726D.
Identifiers: ClinVar variation 1467429 (VCV001467429.6), dbSNP rs759892485, ClinGen allele CA3034782.

ClinVar aggregate classification (germline): Uncertain significance (1 of 4 stars; one submission).

Allele frequency attached by ClinVar (database versions not stated): gnomAD exomes below 0.00001; ExAC 0.00001.
gnomAD v4.1: 4 of 1,612,664 alleles (0.00025%); highest among the groups gnomAD compares: African/African-American, 0.0013%; no homozygotes.

Submission:

Labcorp Genetics (formerly Invitae), Labcorp
Classification: Uncertain significance. Last evaluated: 2025-03-07. Review status: criteria provided, single submitter. Criteria: Invitae Variant Classification Sherloc (09022015). Collection method: clinical testing. Allele origin: germline.
Comment: This sequence change replaces glycine, which is neutral and non-polar, with aspartic acid, which is acidic and polar, at codon 726 of the TBCK protein (p.Gly726Asp). This variant is present in population databases (rs759892485, gnomAD 0.007%). This variant has not been reported in the literature in individuals affected with TBCK-related conditions. ClinVar contains an entry for this variant (Variation ID: 1467429). An algorithm developed to predict the effect of missense changes on protein structure and function (PolyPhen-2) suggests that this variant is likely to be tolerated. In summary, the available evidence is currently insufficient to determine the role of this variant in disease. Therefore, it has been classified as a Variant of Uncertain Significance.